The following is an entry in ClinVar:

ClinVar aggregate classification (germline): Conflicting classifications of pathogenicity. Review status: criteria provided, conflicting classifications (1 of 4 stars). 5 submissions from 5 submitters: Uncertain significance (1); Benign (1); Likely benign (3). Last evaluated 2025-05-01.

Conditions:
Sotos syndrome (SOTOS). Also called: CHROMOSOME 5q35 DELETION SYNDROME; CEREBRAL GIGANTISM; Sotos' syndrome; Distinctive facial appearance, overgrowth in childhood, and learning disabilities or delayed development; SOTOS SYNDROME 1. Identifiers: Orphanet 821, MedGen C0175695, MONDO:0019349, OMIM 117550.
Inborn genetic diseases. Identifiers: MedGen C0950123, MeSH D030342.

Allele frequency attached by ClinVar (database versions not stated): TOPMed 0.00002; 1000 Genomes Project 30x 0.00031; ExAC 0.00001; gnomAD 0.00001 and 0.00002; gnomAD exomes 0.00002.
gnomAD v4.1: 30 of 1,614,022 alleles (0.0019%); highest among the groups gnomAD compares: South Asian, 0.0088%; no homozygotes.

Submissions (5):

CeGaT Center for Human Genetics Tuebingen
Classification: Likely benign. Last evaluated: 2025-05-01. Review status: criteria provided, single submitter. Criteria: CeGaT Center For Human Genetics Tuebingen Variant Classification Criteria Version 2. Collection method: clinical testing. Allele origin: germline. Affected: yes. Observed: 1 variant allele.
Comment: NSD1: BS1

Labcorp Genetics (formerly Invitae), Labcorp
Classification: Likely benign. Last evaluated: 2024-10-08. Review status: criteria provided, single submitter. Criteria: Invitae Variant Classification Sherloc (09022015). Collection method: clinical testing. Allele origin: germline.

Ambry Genetics
Classification: Likely benign for Inborn genetic diseases. Last evaluated: 2024-08-10. Review status: criteria provided, single submitter. Criteria: Ambry Variant Classification Scheme 2023. Collection method: clinical testing. Allele origin: germline.

Neuberg Centre For Genomic Medicine, NCGM
Classification: Uncertain significance for Sotos syndrome. Last evaluated: 2023-02-14. Review status: criteria provided, single submitter. Criteria: ACMG Guidelines, 2015. Collection method: clinical testing. Allele origin: germline. Inheritance: Autosomal dominant inheritance. Affected: yes.
Comment: The missense c.7391G>A(p.Arg2464His) variant in NSD1 gene has not been reported previously as a pathogenic variant nor as a benign variant, to our knowledge. This variant is reported with the allele frequency of 0.002% in the gnomAD Exomes and novel in 1000 Genomes. This variant has been reported to the ClinVar database with varying interpretation: Benign / Uncertain Significance. The amino acid Arg at position 2464 is changed to a His changing protein sequence and it might alter its composition and physico-chemical properties. The amino acid change p.Arg2464His in NSD1 is predicted as conserved by GERP++ and PhyloP across 100 vertebrates. The variant is predicted as damaging by SIFT. For these reasons, this variant has been classified as Uncertain Significance.

Genetic Services Laboratory, University of Chicago
Classification: Benign. Last evaluated: 2013-02-08. Review status: criteria provided, single submitter. Criteria: ACMG Guidelines, 2007. Collection method: clinical testing. Allele origin: germline. Inheritance: Autosomal dominant inheritance.

NM_022455.5(NSD1):c.7391G>A (p.Arg2464His)

Gene: NSD1 (nuclear receptor binding SET domain protein 1; plus strand). Cytogenetic location: 5q35.3.
Variant type: single nucleotide variant.
Coding change: c.7391G>A on transcript NM_022455.5 (MANE Select); coding-DNA position 7391, G replaced by A.
Protein change: p.Arg2464His; replaces arginine 2464 with histidine.
Molecular consequence: missense variant.
Genome position (GRCh38, 1-based): chr5:177,294,759, G>A. VCF-style: chr5-177294759-G-A. GRCh37 (hg19) VCF-style: chr5-176721760-G-A.
Other names: c.6518G>A, p.Arg2173His (NM_001365684.2, NM_001409308.1, NM_172349.5); c.7391G>A, p.Arg2464His (NM_001409301.1, NM_001409302.1, NM_001409303.1); c.6971G>A, p.Arg2324His (NM_001409304.1); c.6638G>A, p.Arg2213His (NM_001409305.1); c.6629G>A, p.Arg2210His (NM_001409306.1, NM_001409307.1); c.6269G>A, p.Arg2090His (NM_001409309.1); short protein forms R2464H, R2195H, R2173H, R2324H, R2210H, R2090H, R2213H.
Identifiers: ClinVar variation 159438 (VCV000159438.26), dbSNP rs587784216, ClinGen allele CA172852.